The following is an entry in ClinVar:

ClinVar aggregate classification (germline): Uncertain significance. Review status: criteria provided, multiple submitters, no conflicts (2 of 4 stars). 2 submissions from 2 submitters: Uncertain significance (2). Last evaluated 2026-06-23.

Conditions:
Brugada syndrome. Also called: Sudden unexpected nocturnal death syndrome; Sudden unexplained nocturnal death syndrome; Sudden Unexplained Death Syndrome; Sudden Unexplained Nocturnal Death Syndrome (SUNDS). Identifiers: Orphanet 130, MedGen C1142166, MONDO:0015263.
Cardiovascular phenotype. Identifiers: MedGen CN230736.

Allele frequency attached by ClinVar (database versions not stated): gnomAD exomes 0.00001; TOPMed 0.00001; ExAC 0.00001.
gnomAD v4.1: 18 of 1,612,178 alleles (0.0011%); highest among the groups gnomAD compares: Non-Finnish European, 0.0014%; no homozygotes.

Submissions (2):

Ambry Genetics
Classification: Uncertain significance for Cardiovascular phenotype. Last evaluated: 2026-06-23. Review status: criteria provided, single submitter. Criteria: Ambry Variant Classification Scheme 2023. Collection method: clinical testing. Allele origin: germline.

Labcorp Genetics (formerly Invitae), Labcorp
Classification: Uncertain significance for Brugada syndrome. Last evaluated: 2022-04-07. Review status: criteria provided, single submitter. Criteria: Invitae Variant Classification Sherloc (09022015). Collection method: clinical testing. Allele origin: germline.
Comment: In summary, the available evidence is currently insufficient to determine the role of this variant in disease. Therefore, it has been classified as a Variant of Uncertain Significance. Advanced modeling of protein sequence and biophysical properties (such as structural, functional, and spatial information, amino acid conservation, physicochemical variation, residue mobility, and thermodynamic stability) performed at Invitae indicates that this missense variant is not expected to disrupt KCNJ8 protein function. This variant has not been reported in the literature in individuals affected with KCNJ8-related conditions. This variant is present in population databases (rs761519173, gnomAD 0.003%). This sequence change replaces threonine, which is neutral and polar, with methionine, which is neutral and non-polar, at codon 157 of the KCNJ8 protein (p.Thr157Met).

NM_004982.4(KCNJ8):c.470C>T (p.Thr157Met)

Genes: KCNJ8 (potassium inwardly rectifying channel subfamily J member 8; minus strand), KCNJ8-AS1 (KCNJ8 antisense RNA 1; plus strand). Cytogenetic location: 12p12.1.
Variant type: single nucleotide variant.
Coding change: c.470C>T on transcript NM_004982.4 (MANE Select); coding-DNA position 470, C replaced by T.
Protein change: p.Thr157Met; replaces threonine 157 with methionine.
Molecular consequence: missense variant.
Genome position (GRCh38, 1-based): chr12:21,766,528, G>A on the plus strand (C>T on the coding strand, the complement: KCNJ8 is on the minus strand). VCF-style: chr12-21766528-G-A. GRCh37 (hg19) VCF-style: chr12-21919462-G-A.
Identifiers: ClinVar variation 1905874 (VCV001905874.6), dbSNP rs761519173, ClinGen allele CA6480680.